The following is an entry in ClinVar:

NM_001040108.2(MLH3):c.3315C>A (p.Asp1105Glu)

Gene: MLH3 (mutL homolog 3; minus strand). Cytogenetic location: 14q24.3.
Variant type: single nucleotide variant.
Coding change: c.3315C>A on transcript NM_001040108.2 (MANE Select); coding-DNA position 3315, C replaced by A.
Protein change: p.Asp1105Glu; replaces aspartic acid 1105 with glutamic acid.
Molecular consequence: missense variant.
Genome position (GRCh38, 1-based): chr14:75,042,443, G>T on the plus strand (C>A on the coding strand, the complement: MLH3 is on the minus strand). VCF-style: chr14-75042443-G-T. GRCh37 (hg19) VCF-style: chr14-75509146-G-T.
Other names: p.Asp1105Glu; c.3315C>A, p.Asp1105Glu (NM_014381.3); short protein forms D1105E.
Identifiers: ClinVar variation 416452 (VCV000416452.70), dbSNP rs28757008, ClinGen allele CA7275535.

ClinVar aggregate classification (germline): Benign/Likely benign. Review status: criteria provided, multiple submitters, no conflicts (2 of 4 stars). 15 submissions from 14 submitters: Benign (5); Likely benign (6). 4 of the submissions do not count toward it. Last evaluated 2026-01-26.

Conditions:
Colorectal cancer, hereditary nonpolyposis, type 7. Identifiers: Orphanet 144, MedGen C1858380, MONDO:0013725, OMIM 614385.
Endometrial carcinoma. Also called: Endometrial carcinoma, somatic. Identifiers: MedGen C0476089, MONDO:0002447, OMIM 608089, HP:0012114.
Colorectal cancer. Also called: Malignant Colorectal Neoplasm; Colorectal cancer, somatic. Identifiers: MedGen C0346629, MONDO:0005575, OMIM 114500.

Allele frequency attached by ClinVar (database versions not stated): 1000 Genomes Project 0.00080; 1000 Genomes Project 30x 0.00125; TOPMed 0.00210; ESP Exome Variant Server 0.00284; ExAC 0.00290; gnomAD 0.00306 and 0.00323; gnomAD exomes 0.00315 and 0.00338.
gnomAD v4.1: 5,355 of 1,614,088 alleles (0.33%); highest among the groups gnomAD compares: Non-Finnish European, 0.36%; 12 homozygotes.

Submissions (15):

Labcorp Genetics (formerly Invitae), Labcorp
Classification: Benign for Colorectal cancer, hereditary nonpolyposis, type 7. Last evaluated: 2026-01-26. Review status: criteria provided, single submitter. Criteria: Invitae Variant Classification Sherloc (09022015). Collection method: clinical testing. Allele origin: germline.

Dasa
Classification: Likely benign. Last evaluated: 2026-01-12. Review status: criteria provided, single submitter. Criteria: DASA Assertion Criteria. Collection method: clinical testing. Allele origin: germline.
Comment: NM_001040108.2(MLH3):c.3315C>A (p.Asp1105Glu) is a missense variant that results in the substitution of aspartic acid with glutamic acid. Population frequency is inconsistent with a disease-causing role for this variant. Computational prediction algorithms are consistent with a benign effect. Therefore, based on the currently available evidence, this variant is classified as likely benign.

Center for Genomic Medicine, Rigshospitalet, Copenhagen University Hospital
Classification: Likely benign. Last evaluated: 2025-03-04. Review status: criteria provided, single submitter. Criteria: ACMG Guidelines, 2015. Collection method: clinical testing. Allele origin: germline.

KCCC/NGS Laboratory, Kuwait Cancer Control Center
Classification: Benign for Endometrial carcinoma. Last evaluated: 2025-02-01. Review status: criteria provided, single submitter. Criteria: ACMG Guidelines, 2015. Collection method: clinical testing. Allele origin: germline. Affected: no.

Blueprint Genetics
Classification: Likely benign. Last evaluated: 2024-11-11. Review status: criteria provided, single submitter. Criteria: ACMG Guidelines, 2015. Collection method: clinical testing. Allele origin: germline.

Mayo Clinic Laboratories, Mayo Clinic
Classification: Likely benign. Last evaluated: 2024-06-18. Review status: criteria provided, single submitter. Criteria: ACMG Guidelines, 2015. Collection method: clinical testing. Allele origin: germline. Observed: 7 variant alleles.
Comment: BS1, BP4

KCCC/NGS Laboratory, Kuwait Cancer Control Center
Classification: Benign for Colorectal cancer, hereditary nonpolyposis, type 7. Last evaluated: 2023-07-07. Review status: criteria provided, single submitter. Criteria: ACMG Guidelines, 2015. Collection method: clinical testing. Allele origin: germline. Affected: yes.

CeGaT Center for Human Genetics Tuebingen
Classification: Benign. Last evaluated: 2022-10-01. Review status: criteria provided, single submitter. Criteria: CeGaT Center For Human Genetics Tuebingen Variant Classification Criteria Version 2. Collection method: clinical testing. Allele origin: germline. Affected: yes. Observed: 3 variant alleles.
Comment: MLH3: BS1, BS2

Department of Pathology and Laboratory Medicine, Sinai Health System
Classification: Benign for Colorectal cancer; Endometrial carcinoma; Colorectal cancer, hereditary nonpolyposis, type 7. Last evaluated: 2021-07-21. Review status: criteria provided, single submitter. Criteria: ACMG Guidelines, 2015. Collection method: clinical testing. Allele origin: germline. Affected: yes.

Ambry Genetics
Classification: Likely benign. Last evaluated: 2020-07-01. Review status: criteria provided, single submitter. Criteria: Ambry Variant Classification Scheme 2023. Collection method: clinical testing. Allele origin: germline.

Illumina Laboratory Services, Illumina
Classification: Likely benign for Colorectal cancer, hereditary nonpolyposis, type 7. Last evaluated: 2017-04-27. Review status: criteria provided, single submitter. Criteria: ICSL Variant Classification Criteria 13 December 2019. Collection method: clinical testing. Allele origin: germline.
Comment: This variant was observed as part of a predisposition screen in an ostensibly healthy population. A literature search was performed for the gene, cDNA change, and amino acid change (where applicable). Publications were found based on this search. The evidence from the literature, in combination with allele frequency data from public databases where available, was sufficient to determine this variant is unlikely to cause disease. Therefore, this variant is classified as likely benign.

Clinical Genetics DNA and cytogenetics Diagnostics Lab, Erasmus MC, Erasmus Medical Center
Classification: Benign. Review status: no assertion criteria provided. Collection method: clinical testing. Allele origin: germline. Affected: yes. Study: VKGL Data-share Consensus. Not counted in ClinVar's aggregate classification.

Clinical Genetics, Academic Medical Center
Classification: Benign. Review status: no assertion criteria provided. Collection method: clinical testing. Allele origin: germline. Affected: yes. Study: VKGL Data-share Consensus. Not counted in ClinVar's aggregate classification.

Genome Diagnostics Laboratory, University Medical Center Utrecht
Classification: Benign. Review status: no assertion criteria provided. Collection method: clinical testing. Allele origin: germline. Affected: yes. Study: VKGL Data-share Consensus. Not counted in ClinVar's aggregate classification.

Laboratory of Diagnostic Genome Analysis, Leiden University Medical Center (LUMC)
Classification: Benign. Review status: no assertion criteria provided. Collection method: clinical testing. Allele origin: germline. Affected: yes. Study: VKGL Data-share Consensus. Not counted in ClinVar's aggregate classification.

Literature cited by the submitters: PubMed 27696107 (cited by Center for Genomic Medicine, Rigshospitalet, Copenhagen University Hospital and Illumina Laboratory Services, Illumina); PubMed 12800209 (cited by Illumina Laboratory Services, Illumina).